The following is an entry in ClinVar:

ClinVar aggregate classification (germline): Uncertain significance (1 of 4 stars; one submission).

Conditions:
Hereditary cancer-predisposing syndrome. Also called: Neoplastic Syndromes, Hereditary; Tumor predisposition; Hereditary neoplastic syndrome; Hereditary Cancer Syndrome. Identifiers: Orphanet 140162, MedGen C0027672, MeSH D009386, MONDO:0015356.
Cardiovascular phenotype. Identifiers: MedGen CN230736.

Submission:

Ambry Genetics
Classification: Uncertain significance for Cardiovascular phenotype; Hereditary cancer-predisposing syndrome. Last evaluated: 2023-04-16. Review status: criteria provided, single submitter. Criteria: Ambry Variant Classification Scheme 2023. Collection method: clinical testing. Allele origin: germline.
Comment: The p.K1683T variant (also known as c.5048A>C), located in coding exon 36 of the NF1 gene, results from an A to C substitution at nucleotide position 5048. The lysine at codon 1683 is replaced by threonine, an amino acid with similar properties. This amino acid position is conserved. In addition, this alteration is predicted to be deleterious by in silico analysis. Since supporting evidence is limited at this time, the clinical significance of this alteration remains unclear.

NM_001042492.3(NF1):c.5111A>C (p.Lys1704Thr)

Gene: NF1 (neurofibromin 1; plus strand). Cytogenetic location: 17q11.2.
Variant type: single nucleotide variant.
Coding change: c.5111A>C on transcript NM_001042492.3 (MANE Select); coding-DNA position 5111, A replaced by C.
Protein change: p.Lys1704Thr; replaces lysine 1704 with threonine.
Molecular consequence: missense variant.
Genome position (GRCh38, 1-based): chr17:31,326,095, A>C. VCF-style: chr17-31326095-A-C. GRCh37 (hg19) VCF-style: chr17-29653113-A-C.
Other names: c.5048A>C, p.Lys1683Thr (NM_000267.4); short protein forms K1683T, K1704T.
Identifiers: ClinVar variation 3237814 (VCV003237814.1), dbSNP rs2151538522.